The following is an entry in ClinVar:

NM_000064.4(C3):c.2746G>A (p.Val916Ile)

Gene: C3 (complement C3; minus strand). Cytogenetic location: 19p13.3.
Variant type: single nucleotide variant.
Coding change: c.2746G>A on transcript NM_000064.4 (MANE Select); coding-DNA position 2746, G replaced by A.
Protein change: p.Val916Ile; replaces valine 916 with isoleucine.
Molecular consequence: missense variant.
Genome position (GRCh38, 1-based): chr19:6,697,394, C>T on the plus strand (G>A on the coding strand, the complement: C3 is on the minus strand). VCF-style: chr19-6697394-C-T. GRCh37 (hg19) VCF-style: chr19-6697405-C-T.
Other names: short protein forms V916I.
Identifiers: ClinVar variation 4280171 (VCV004280171.1).

ClinVar aggregate classification (germline): Uncertain significance (1 of 4 stars; one submission).

Conditions:
Complement component 3 deficiency. Identifiers: Orphanet 280133, MedGen C3151071, MONDO:0013417, OMIM 613779.
C3 glomerulonephritis. Also called: Nephropathy due to CFHR5 Deficiency; C3 GLOMERULOPATHY 3. Identifiers: Orphanet 329931, MedGen C4055342, MONDO:0013892, OMIM 614809.
Atypical hemolytic-uremic syndrome. Identifiers: Orphanet 2134, MedGen C2931788, MONDO:0016244.

gnomAD v4.1: 18 of 1,613,934 alleles (0.0011%); highest among the groups gnomAD compares: East Asian, 0.011%; no homozygotes.

Submission:

Genomenon, Inc
Classification: Uncertain significance for Complement component 3 deficiency; C3 glomerulonephritis; Atypical hemolytic-uremic syndrome. Last evaluated: 2025-09-30. Review status: criteria provided, single submitter. Criteria: Genomenon Sequence Variant Interpretation Standards. Collection method: curation. Allele origin: germline. Affected: no.
Comment: C3 p.Val916Ile (c.2746G>A) is a missense variant that changes the amino acid at residue 916 from Valine to Isoleucine. This variant has been reported in the published literature (PMID:25758434;32540405). It is absent or not present at a significant frequency in gnomAD. In silico models agree that this variant is not damaging. In conclusion, we classify C3 p.Val916Ile (c.2746G>A) as a variant of unknown significance.

Literature cited by the submitters: PubMed 25758434; PubMed 32540405.